The following is an entry in ClinVar:

NM_001080397.3(SLC45A1):c.553G>A (p.Val185Met)

Gene: SLC45A1 (solute carrier family 45 member 1; plus strand). Cytogenetic location: 1p36.23.
Variant type: single nucleotide variant.
Coding change: c.553G>A on transcript NM_001080397.3 (MANE Select); coding-DNA position 553, G replaced by A.
Protein change: p.Val185Met; replaces valine 185 with methionine.
Molecular consequence: missense variant. On other transcripts: 5 prime UTR variant (2).
Genome position (GRCh38, 1-based): chr1:8,325,880, G>A. VCF-style: chr1-8325880-G-A. GRCh37 (hg19) VCF-style: chr1-8385940-G-A.
Other names: c.553G>A, p.Val185Met (NM_001379614.1); c.460G>A, p.Val154Met (NM_001379615.1, NM_001379616.1); c.-54G>A (NM_001379617.1, NM_001379618.1); short protein forms V154M, V185M.
Identifiers: ClinVar variation 4537646 (VCV004537646.1).

ClinVar aggregate classification (germline): Uncertain significance (1 of 4 stars; one submission).

gnomAD v4.1: 25 of 1,613,904 alleles (0.0015%); highest among the groups gnomAD compares: Admixed American, 0.02%; no homozygotes.

Submission:

GeneDx
Classification: Uncertain significance. Last evaluated: 2025-06-10. Review status: criteria provided, single submitter. Criteria: GeneDx Variant Classification Process June 2021. Collection method: clinical testing. Allele origin: germline. Affected: yes.
Comment: In silico analysis suggests that this missense variant does not alter protein structure/function; Has not been previously published as pathogenic or benign to our knowledge